The following is an entry in ClinVar:

NM_003597.5(KLF11):c.167C>T (p.Ser56Phe)

Gene: KLF11 (KLF transcription factor 11; plus strand). Cytogenetic location: 2p25.1.
Variant type: single nucleotide variant.
Coding change: c.167C>T on transcript NM_003597.5 (MANE Select); coding-DNA position 167, C replaced by T.
Protein change: p.Ser56Phe; replaces serine 56 with phenylalanine.
Molecular consequence: missense variant.
Genome position (GRCh38, 1-based): chr2:10,046,274, C>T. VCF-style: chr2-10046274-C-T. GRCh37 (hg19) VCF-style: chr2-10186401-C-T.
Other names: c.116C>T, p.Ser39Phe (NM_001177716.2, NM_001177718.2); short protein forms S39F, S56F.
Identifiers: ClinVar variation 3696046 (VCV003696046.2).

ClinVar aggregate classification (germline): Uncertain significance (1 of 4 stars; one submission).

gnomAD v4.1: 17 of 1,614,030 alleles (0.0011%); highest among the groups gnomAD compares: South Asian, 0.018%; no homozygotes.

Submission:

Labcorp Genetics (formerly Invitae), Labcorp
Classification: Uncertain significance. Last evaluated: 2024-05-06. Review status: criteria provided, single submitter. Criteria: Invitae Variant Classification Sherloc (09022015). Collection method: clinical testing. Allele origin: germline.
Comment: This sequence change replaces serine, which is neutral and polar, with phenylalanine, which is neutral and non-polar, at codon 56 of the KLF11 protein (p.Ser56Phe). The frequency data for this variant in the population databases is considered unreliable, as metrics indicate poor data quality at this position in the gnomAD database. This variant has not been reported in the literature in individuals affected with KLF11-related conditions. An algorithm developed to predict the effect of missense changes on protein structure and function (PolyPhen-2) suggests that this variant is likely to be tolerated. In summary, the available evidence is currently insufficient to determine the role of this variant in disease. Therefore, it has been classified as a Variant of Uncertain Significance.